The following is an entry in ClinVar:

ClinVar aggregate classification (germline): Uncertain significance (1 of 4 stars; one submission).

Conditions:
DICER1-related tumor predisposition. Also called: DICER1-related pleuropulmonary blastoma cancer predisposition syndrome; DICER1 syndrome. Identifiers: Orphanet 284343, MedGen C3839822, MONDO:0100216.

Allele frequency attached by ClinVar (database versions not stated): gnomAD exomes below 0.00001.

Submission:

Labcorp Genetics (formerly Invitae), Labcorp
Classification: Uncertain significance for DICER1-related tumor predisposition. Last evaluated: 2022-07-03. Review status: criteria provided, single submitter. Criteria: Invitae Variant Classification Sherloc (09022015). Collection method: clinical testing. Allele origin: germline.
Comment: In summary, the available evidence is currently insufficient to determine the role of this variant in disease. Therefore, it has been classified as a Variant of Uncertain Significance. Algorithms developed to predict the effect of missense changes on protein structure and function (SIFT, PolyPhen-2, Align-GVGD) all suggest that this variant is likely to be disruptive. ClinVar contains an entry for this variant (Variation ID: 945182). This variant has not been reported in the literature in individuals affected with DICER1-related conditions. This variant is not present in population databases (gnomAD no frequency). This sequence change replaces tyrosine, which is neutral and polar, with cysteine, which is neutral and slightly polar, at codon 186 of the DICER1 protein (p.Tyr186Cys).

NM_177438.3(DICER1):c.557A>G (p.Tyr186Cys)

Gene: DICER1 (dicer 1, ribonuclease III; minus strand). Cytogenetic location: 14q32.13.
Variant type: single nucleotide variant.
Coding change: c.557A>G on transcript NM_177438.3 (MANE Select); coding-DNA position 557, A replaced by G.
Protein change: p.Tyr186Cys; replaces tyrosine 186 with cysteine.
Molecular consequence: missense variant.
Genome position (GRCh38, 1-based): chr14:95,130,074, T>C on the plus strand (A>G on the coding strand, the complement: DICER1 is on the minus strand). VCF-style: chr14-95130074-T-C. GRCh37 (hg19) VCF-style: chr14-95596411-T-C.
Other names: c.557A>G, p.Tyr186Cys (NM_001195573.1, NM_001271282.3, NM_001291628.2 and 1 more transcripts); short protein forms Y186C.
Identifiers: ClinVar variation 945182 (VCV000945182.9), dbSNP rs1893820947, ClinGen allele CA390888360.